The following is an entry in ClinVar:

NM_017802.4(DNAAF5):c.1063A>G (p.Arg355Gly)

Gene: DNAAF5 (dynein axonemal assembly factor 5; plus strand). Cytogenetic location: 7p22.3.
Variant type: single nucleotide variant.
Coding change: c.1063A>G on transcript NM_017802.4 (MANE Select); coding-DNA position 1063, A replaced by G.
Protein change: p.Arg355Gly; replaces arginine 355 with glycine.
Molecular consequence: missense variant. On other transcripts: non-coding transcript variant (1).
Genome position (GRCh38, 1-based): chr7:754,627, A>G. VCF-style: chr7-754627-A-G. GRCh37 (hg19) VCF-style: chr7-794264-A-G.
Other names: short protein forms R355G.
Identifiers: ClinVar variation 454845 (VCV000454845.15), dbSNP rs201998366, ClinGen allele CA4110586.

ClinVar aggregate classification (germline): Uncertain significance. Review status: criteria provided, multiple submitters, no conflicts (2 of 4 stars). 4 submissions from 4 submitters: Uncertain significance (4). Last evaluated 2026-01-05.

Conditions:
Primary ciliary dyskinesia. Also called: Ciliary dyskinesia. Identifiers: Orphanet 244, MedGen C0008780, MONDO:0016575, HP:0012265.

Allele frequency attached by ClinVar (database versions not stated): 1000 Genomes Project 0.00020; ExAC 0.00028; 1000 Genomes Project 30x 0.00031; gnomAD exomes 0.00033 and 0.00037; gnomAD 0.00036 and 0.00038; ESP Exome Variant Server 0.00038; TOPMed 0.00045.
gnomAD v4.1: 592 of 1,614,090 alleles (0.037%); highest among the groups gnomAD compares: Non-Finnish European, 0.043%; no homozygotes.

Submissions (4):

Labcorp Genetics (formerly Invitae), Labcorp
Classification: Uncertain significance for Primary ciliary dyskinesia. Last evaluated: 2026-01-05. Review status: criteria provided, single submitter. Criteria: Invitae Variant Classification Sherloc (09022015). Collection method: clinical testing. Allele origin: germline.
Comment: This sequence change replaces arginine, which is basic and polar, with glycine, which is neutral and non-polar, at codon 355 of the DNAAF5 protein (p.Arg355Gly). This variant is present in population databases (rs201998366, gnomAD 0.04%). This variant has not been reported in the literature in individuals affected with DNAAF5-related conditions. ClinVar contains an entry for this variant (Variation ID: 454845). Invitae Evidence Modeling of protein sequence and biophysical properties (such as structural, functional, and spatial information, amino acid conservation, physicochemical variation, residue mobility, and thermodynamic stability) indicates that this missense variant is expected to disrupt DNAAF5 protein function with a positive predictive value of 80%. In summary, the available evidence is currently insufficient to determine the role of this variant in disease. Therefore, it has been classified as a Variant of Uncertain Significance.

Blueprint Genetics
Classification: Uncertain significance. Last evaluated: 2024-11-26. Review status: criteria provided, single submitter. Criteria: ACMG Guidelines, 2015. Collection method: clinical testing. Allele origin: germline.

Ambry Genetics
Classification: Uncertain significance for Primary ciliary dyskinesia. Last evaluated: 2024-04-11. Review status: criteria provided, single submitter. Criteria: Ambry Variant Classification Scheme 2023. Collection method: clinical testing. Allele origin: germline.
Comment: The p.R355G variant (also known as c.1063A>G), located in coding exon 5 of the DNAAF5 gene, results from an A to G substitution at nucleotide position 1063. The arginine at codon 355 is replaced by glycine, an amino acid with dissimilar properties. This amino acid position is highly conserved in available vertebrate species. In addition, this alteration is predicted to be deleterious by in silico analysis. Since supporting evidence is limited at this time, the clinical significance of this alteration remains unclear.

GeneDx
Classification: Uncertain significance. Last evaluated: 2022-07-29. Review status: criteria provided, single submitter. Criteria: GeneDx Variant Classification Process June 2021. Collection method: clinical testing. Allele origin: germline. Affected: yes.
Comment: In silico analysis supports that this missense variant has a deleterious effect on protein structure/function; Has not been previously published as pathogenic or benign to our knowledge